The following is an entry in ClinVar:

NM_145239.3(PRRT2):c.282_283insC (p.Ser95fs)

Genes: MVP-DT (MVP divergent transcript; minus strand), PRRT2 (proline rich transmembrane protein 2; plus strand). Cytogenetic location: 16p11.2.
Variant type: Insertion.
Coding change: c.282_283insC on transcript NM_145239.3 (MANE Select); coding-DNA positions 282 to 283, C inserted.
Protein change: p.Ser95fs; shifts the reading frame from serine 95.
Molecular consequence: frameshift variant.
Genome position: GRCh38 VCF-style: chr16-29813336-A-AC. GRCh37 (hg19) VCF-style: chr16-29824657-A-AC.
Other names: c.282_283insC, p.Ser95fs (NM_001256442.2, NM_001256443.2); short protein forms S95fs.
Identifiers: ClinVar variation 853525 (VCV000853525.10), dbSNP rs1900074141, ClinGen allele CA916083490.

ClinVar aggregate classification (germline): Pathogenic. Review status: criteria provided, multiple submitters, no conflicts (2 of 4 stars). 2 submissions from 2 submitters: Pathogenic (2). Last evaluated 2019-04-18.

Conditions:
Inborn genetic diseases. Identifiers: MedGen C0950123, MeSH D030342.
Episodic kinesigenic dyskinesia (EKD). Also called: Paroxysmal kinesigenic dyskinesia. Identifiers: Orphanet 98809, MedGen C1868682, MONDO:0044202.

Submissions (2):

Labcorp Genetics (formerly Invitae), Labcorp
Classification: Pathogenic for Episodic kinesigenic dyskinesia. Last evaluated: 2019-04-18. Review status: criteria provided, single submitter. Criteria: Invitae Variant Classification Sherloc (09022015). Collection method: clinical testing. Allele origin: germline.
Comment: This variant has not been reported in the literature in individuals with PRRT2-related conditions. This variant is not present in population databases (ExAC no frequency). Loss-of-function variants in PRRT2 are known to be pathogenic (PMID: 22623405, 22744660). This sequence change creates a premature translational stop signal (p.Ser95Leufs*39) in the PRRT2 gene. It is expected to result in an absent or disrupted protein product. For these reasons, this variant has been classified as Pathogenic.

Ambry Genetics
Classification: Pathogenic for Inborn genetic diseases. Last evaluated: 2017-07-20. Review status: criteria provided, single submitter. Criteria: Ambry Variant Classification Scheme 2023. Collection method: clinical testing. Allele origin: germline.
Comment: The c.282_283insC pathogenic mutation, located in coding exon 1 of the PRRT2 gene, results from an insertion of one nucleotide at position 282, causing a translational frameshift with a predicted alternate stop codon (p.S95Lfs*39). This alteration is expected to result in loss of function by premature protein truncation or nonsense-mediated mRNA decay. As such, this alteration is interpreted as a disease-causing mutation.

Literature cited by the submitters: PubMed 22623405 (cited by Labcorp Genetics (formerly Invitae), Labcorp); PubMed 22744660 (cited by Labcorp Genetics (formerly Invitae), Labcorp).